The following is an entry in ClinVar:

ClinVar aggregate classification (germline): Uncertain significance (1 of 4 stars; one submission).

Allele frequency attached by ClinVar (database versions not stated): gnomAD exomes below 0.00001.
gnomAD v4.1: 1 of 1,604,494 alleles (0.000062%); highest among the groups gnomAD compares: Non-Finnish European, 0.000085%; no homozygotes.

Submission:

Labcorp Genetics (formerly Invitae), Labcorp
Classification: Uncertain significance. Last evaluated: 2025-11-17. Review status: criteria provided, single submitter. Criteria: Invitae Variant Classification Sherloc (09022015). Collection method: clinical testing. Allele origin: germline.
Comment: This sequence change replaces isoleucine, which is neutral and non-polar, with threonine, which is neutral and polar, at codon 620 of the NSUN2 protein (p.Ile620Thr). This variant is not present in population databases (gnomAD no frequency). This variant has not been reported in the literature in individuals affected with NSUN2-related conditions. ClinVar contains an entry for this variant (Variation ID: 2043697). Invitae Evidence Modeling of protein sequence and biophysical properties (such as structural, functional, and spatial information, amino acid conservation, physicochemical variation, residue mobility, and thermodynamic stability) indicates that this missense variant is not expected to disrupt NSUN2 protein function with a negative predictive value of 80%. In summary, the available evidence is currently insufficient to determine the role of this variant in disease. Therefore, it has been classified as a Variant of Uncertain Significance.

NM_017755.6(NSUN2):c.1859T>C (p.Ile620Thr)

Gene: NSUN2 (NOP2/Sun RNA methyltransferase 2; minus strand). Cytogenetic location: 5p15.31.
Variant type: single nucleotide variant.
Coding change: c.1859T>C on transcript NM_017755.6 (MANE Select); coding-DNA position 1859, T replaced by C.
Protein change: p.Ile620Thr; replaces isoleucine 620 with threonine.
Molecular consequence: missense variant. On other transcripts: non-coding transcript variant (1).
Genome position (GRCh38, 1-based): chr5:6,604,236, A>G on the plus strand (T>C on the coding strand, the complement: NSUN2 is on the minus strand). VCF-style: chr5-6604236-A-G. GRCh37 (hg19) VCF-style: chr5-6604349-A-G.
Other names: c.1754T>C, p.Ile585Thr (NM_001193455.2); short protein forms I585T, I620T.
Identifiers: ClinVar variation 2043697 (VCV002043697.4), dbSNP rs2477398858, ClinGen allele CA359114578.
Genomic context (GRCh38, chr5:6,604,236, plus strand): 5'-TTTCTAAAAAAGGGATTTTCCTGGGTCAACAGTATCTTAACATCTTCCATTGATACAGTA[A>G]TAATTCTTGAGTTAATAAATGGATACAATGTATATATTCCCTGTGTGAATAAAGAGAATG-3'
Protein context (NP_060225.4, residues 610-630): TLYPFINSRI[Ile620Thr]TVSMEDVKIL